The following is an entry in ClinVar:

ClinVar aggregate classification (germline): Likely pathogenic. Review status: criteria provided, multiple submitters, no conflicts (2 of 4 stars). 2 submissions from 2 submitters: Likely pathogenic (2). Last evaluated 2024-03-25.

Submissions (2):

Labcorp Genetics (formerly Invitae), Labcorp
Classification: Likely pathogenic. Last evaluated: 2024-03-25. Review status: criteria provided, single submitter. Criteria: Invitae Variant Classification Sherloc (09022015). Collection method: clinical testing. Allele origin: germline.
Comment: This sequence change replaces cysteine, which is neutral and slightly polar, with arginine, which is basic and polar, at codon 693 of the PHEX protein (p.Cys693Arg). This variant is not present in population databases (gnomAD no frequency). This variant has not been reported in the literature in individuals affected with PHEX-related conditions. ClinVar contains an entry for this variant (Variation ID: 421237). Advanced modeling of protein sequence and biophysical properties (such as structural, functional, and spatial information, amino acid conservation, physicochemical variation, residue mobility, and thermodynamic stability) performed at Invitae indicates that this missense variant is expected to disrupt PHEX protein function with a positive predictive value of 95%. This variant disrupts the p.Cys693 amino acid residue in PHEX. Other variant(s) that disrupt this residue have been determined to be pathogenic (PMID: 10737991, 23079138, 30682568; Invitae). This suggests that this residue is clinically significant, and that variants that disrupt this residue are likely to be disease-causing. In summary, the currently available evidence indicates that the variant is pathogenic, but additional data are needed to prove that conclusively. Therefore, this variant has been classified as Likely Pathogenic.

GeneDx
Classification: Likely pathogenic. Last evaluated: 2016-10-28. Review status: criteria provided, single submitter. Criteria: GeneDx Variant Classification (06012015). Collection method: clinical testing. Allele origin: germline. Affected: yes.
Comment: A novel C693R variant that is likely pathogenic was identified in the PHEX gene. It has not been published as a pathogenic variant, nor has it been reported as a benign variant to our knowledge. It was not observed in approximately 6,500 individuals of European and African American ancestry in the NHLBI Exome Sequencing Project, indicating it is not a common benign variant in these populations. C693R is a non-conservative amino acid substitution, which is likely to impact secondary protein structure as these residues differ in polarity, charge, size and/or other properties. This substitution occurs at a position that is conserved across species, and in silico analysis predicts this variant is probably damaging to the protein structure/function. Missense variants at the same residue (C693F/Y) and in nearby residues (A689D) have been reported in the Human Gene Mutation Database in association with hypophosphatemic rickets (Stenson et al., 2014), supporting the functional importance of this region of the protein. Therefore, this variant is likely pathogenic; however, the possibility that it is benign cannot be excluded.

Literature cited by the submitters: PubMed 10737991 (cited by Labcorp Genetics (formerly Invitae), Labcorp); PubMed 23079138 (cited by Labcorp Genetics (formerly Invitae), Labcorp); PubMed 30682568 (cited by Labcorp Genetics (formerly Invitae), Labcorp).

NM_000444.6(PHEX):c.2077T>C (p.Cys693Arg)

Genes: PHEX (phosphate regulating endopeptidase X-linked; plus strand), PTCHD1-AS (PTCHD1 and PHEX antisense RNA; minus strand). Cytogenetic location: Xp22.11.
Variant type: single nucleotide variant.
Coding change: c.2077T>C on transcript NM_000444.6 (MANE Select); coding-DNA position 2077, T replaced by C.
Protein change: p.Cys693Arg; replaces cysteine 693 with arginine.
Molecular consequence: missense variant. On other transcripts: intron variant (1).
Genome position (GRCh38, 1-based): chrX:22,245,339, T>C. VCF-style: chrX-22245339-T-C. GRCh37 (hg19) VCF-style: chrX-22263456-T-C.
Other names: c.2071-2512T>C (NM_001282754.2); short protein forms C693R.
Identifiers: ClinVar variation 421237 (VCV000421237.4), dbSNP rs1064794999, ClinGen allele CA16621339.